The following is an entry in ClinVar:

NM_001099403.2(PRDM8):c.973G>A (p.Gly325Ser)

Genes: PRDM8 (PR/SET domain 8; plus strand), LOC129992744 (ATAC-STARR-seq lymphoblastoid silent region 15521; plus strand). Cytogenetic location: 4q21.21.
Variant type: single nucleotide variant.
Coding change: c.973G>A on transcript NM_001099403.2 (MANE Select); coding-DNA position 973, G replaced by A.
Protein change: p.Gly325Ser; replaces glycine 325 with serine.
Molecular consequence: missense variant.
Genome position (GRCh38, 1-based): chr4:80,202,435, G>A. VCF-style: chr4-80202435-G-A. GRCh37 (hg19) VCF-style: chr4-81123589-G-A.
Other names: c.973G>A (NM_020226.3); c.973G>A, p.Gly325Ser (NM_020226.4); short protein forms G325S.
Identifiers: ClinVar variation 1007878 (VCV001007878.9), dbSNP rs773668859, ClinGen allele CA2982365.
Genomic context (GRCh38, chr4:80,202,435, plus strand): 5'-ATCGCCACGGGCGGCGGCAAAGGAAAGAGGAAATTCCCGGAGGAGGCGGCGGAGGGCGGC[G>A]GTGGCGCTGGTCTGGTAGGGGGCCGGGGCCGCTTCGTAGAGCGGCCCCTCCCGGCCTCCA-3'
Protein context (NP_001092873.1, residues 315-335): KFPEEAAEGG[Gly325Ser]GAGLVGGRGR

ClinVar aggregate classification (germline): Uncertain significance. Review status: criteria provided, multiple submitters, no conflicts (2 of 4 stars). 2 submissions from 2 submitters: Uncertain significance (2). Last evaluated 2025-12-08.

Conditions:
Early-onset Lafora body disease. Also called: Epilepsy, progressive myoclonic, 10. Identifiers: Orphanet 324290, MedGen C4225258, MONDO:0014717, OMIM 616640.

Allele frequency attached by ClinVar (database versions not stated): 1000 Genomes Project 30x 0.00031; ExAC 0.00008; TOPMed 0.00014; gnomAD exomes 0.00013.

Submissions (2):

Labcorp Genetics (formerly Invitae), Labcorp
Classification: Uncertain significance for Early-onset Lafora body disease. Last evaluated: 2025-12-08. Review status: criteria provided, single submitter. Criteria: Invitae Variant Classification Sherloc (09022015). Collection method: clinical testing. Allele origin: germline.
Comment: This sequence change replaces glycine, which is neutral and non-polar, with serine, which is neutral and polar, at codon 325 of the PRDM8 protein (p.Gly325Ser). This variant is present in population databases (rs773668859, gnomAD 0.04%). This variant has not been reported in the literature in individuals affected with PRDM8-related conditions. ClinVar contains an entry for this variant (Variation ID: 1007878). An algorithm developed to predict the effect of missense changes on protein structure and function (PolyPhen-2) suggests that this variant is likely to be tolerated. In summary, the available evidence is currently insufficient to determine the role of this variant in disease. Therefore, it has been classified as a Variant of Uncertain Significance.

Ambry Genetics
Classification: Uncertain significance. Last evaluated: 2025-04-30. Review status: criteria provided, single submitter. Criteria: Ambry Variant Classification Scheme 2023. Collection method: clinical testing. Allele origin: germline.